The following is an entry in ClinVar:

ClinVar aggregate classification (germline): Uncertain significance (1 of 4 stars; one submission).

Conditions:
Fanconi anemia (FA). Also called: Fanconi's anemia. Identifiers: Orphanet 84, MedGen C0015625, MeSH D005199, MONDO:0019391.

Allele frequency attached by ClinVar (database versions not stated): ExAC 0.00001; gnomAD 0.00001 and 0.00002; gnomAD exomes 0.00001 and 0.00002; TOPMed 0.00001.
gnomAD v4.1: 33 of 1,613,058 alleles (0.002%); highest among the groups gnomAD compares: East Asian, 0.0067%; no homozygotes.

Submission:

Labcorp Genetics (formerly Invitae), Labcorp
Classification: Uncertain significance for Fanconi anemia. Last evaluated: 2021-09-15. Review status: criteria provided, single submitter. Criteria: Invitae Variant Classification Sherloc (09022015). Collection method: clinical testing. Allele origin: germline.
Comment: In summary, the available evidence is currently insufficient to determine the role of this variant in disease. Therefore, it has been classified as a Variant of Uncertain Significance. Algorithms developed to predict the effect of missense changes on protein structure and function output the following: SIFT: "Tolerated"; PolyPhen-2: "Benign"; Align-GVGD: "Class C0". The threonine amino acid residue is found in multiple mammalian species, which suggests that this missense change does not adversely affect protein function. This sequence change replaces alanine with threonine at codon 1630 of the SLX4 protein (p.Ala1630Thr). The alanine residue is weakly conserved and there is a small physicochemical difference between alanine and threonine. This variant is present in population databases (rs776578234, ExAC 0.001%). This variant has not been reported in the literature in individuals affected with SLX4-related conditions.

NM_032444.4(SLX4):c.4888G>A (p.Ala1630Thr)

Gene: SLX4 (SLX4 structure-specific endonuclease subunit; minus strand). Cytogenetic location: 16p13.3.
Variant type: single nucleotide variant.
Coding change: c.4888G>A on transcript NM_032444.4 (MANE Select); coding-DNA position 4888, G replaced by A.
Protein change: p.Ala1630Thr; replaces alanine 1630 with threonine.
Molecular consequence: missense variant.
Genome position (GRCh38, 1-based): chr16:3,583,362, C>T on the plus strand (G>A on the coding strand, the complement: SLX4 is on the minus strand). VCF-style: chr16-3583362-C-T. GRCh37 (hg19) VCF-style: chr16-3633363-C-T.
Other names: short protein forms A1630T.
Identifiers: ClinVar variation 954599 (VCV000954599.7), dbSNP rs776578234, ClinGen allele CA7865477.